The following is an entry in ClinVar:

NM_001267550.2(TTN):c.102916A>T (p.Lys34306Ter)

Genes: TTN-AS1 (TTN antisense RNA 1; plus strand), TTN (titin; minus strand). Cytogenetic location: 2q31.2.
Variant type: single nucleotide variant.
Coding change: c.102916A>T on transcript NM_001267550.2 (MANE Select); coding-DNA position 102916, A replaced by T.
Protein change: p.Lys34306Ter; replaces lysine 34306 with a stop codon.
Molecular consequence: nonsense.
Genome position (GRCh38, 1-based): chr2:178,533,699, T>A on the plus strand (A>T on the coding strand, the complement: TTN is on the minus strand). VCF-style: chr2-178533699-T-A. GRCh37 (hg19) VCF-style: chr2-179398426-T-A.
Other names: c.97993A>T, p.Lys32665Ter (NM_001256850.1); c.75721A>T, p.Lys25241Ter (NM_003319.4); c.95212A>T, p.Lys31738Ter (NM_133378.4); c.76096A>T, p.Lys25366Ter (NM_133432.3); c.76297A>T, p.Lys25433Ter (NM_133437.4); short protein forms K25366*, K32665*, K34306*, K25241*, K25433*, K31738*.
Identifiers: ClinVar variation 651158 (VCV000651158.11), dbSNP rs1575269011, ClinGen allele CA349415781.

ClinVar aggregate classification (germline): Likely pathogenic (1 of 4 stars; one submission).

Conditions:
Autosomal recessive limb-girdle muscular dystrophy type 2J (LGMDR10). Also called: Limb-girdle muscular dystrophy, type 2J; MUSCULAR DYSTROPHY, LIMB-GIRDLE, AUTOSOMAL RECESSIVE 10. Identifiers: Orphanet 140922, MedGen C1837342, MONDO:0012127, OMIM 608807.
Dilated cardiomyopathy 1G (CMD1G). Identifiers: Orphanet 154, MedGen C1858763, MONDO:0011400, OMIM 604145.

Submission:

Labcorp Genetics (formerly Invitae), Labcorp
Classification: Likely pathogenic for Dilated cardiomyopathy 1G; Autosomal recessive limb-girdle muscular dystrophy type 2J. Last evaluated: 2023-12-06. Review status: criteria provided, single submitter. Criteria: Invitae Variant Classification Sherloc (09022015). Collection method: clinical testing. Allele origin: germline.
Comment: This sequence change creates a premature translational stop signal (p.Lys34306*) in the TTN gene. While this is not anticipated to result in nonsense mediated decay, it is expected to create a truncated TTN protein. This variant is not present in population databases (gnomAD no frequency). This variant has not been reported in the literature in individuals affected with TTN-related conditions. ClinVar contains an entry for this variant (Variation ID: 651158). This variant is located in the M band of TTN (PMID: 25589632). Truncating variants in this region have been previously reported in individuals affected with autosomal recessive myopathy and muscular dystrophy (PMID: 18948003, 23975875, 24395473). Truncating variants in this region have also been identified in individuals affected with autosomal dominant dilated cardiomyopathy and/or cardio-related conditions (PMID: 27869827, 32964742). In summary, the currently available evidence indicates that the variant is pathogenic, but additional data are needed to prove that conclusively. Therefore, this variant has been classified as Likely Pathogenic.

Literature cited by the submitters: PubMed 25589632; PubMed 18948003; PubMed 23975875; PubMed 24395473; PubMed 27869827; PubMed 32964742.